The following is an entry in ClinVar:

ClinVar aggregate classification (germline): Uncertain significance. Review status: criteria provided, multiple submitters, no conflicts (2 of 4 stars). 4 submissions from 4 submitters: Uncertain significance (4). Last evaluated 2024-08-03.

Conditions:
BRCA2-related cancer predisposition. Identifiers: MedGen CN377758, MONDO:0700269.
Hereditary cancer-predisposing syndrome. Also called: Hereditary neoplastic syndrome; Hereditary Cancer Syndrome; Neoplastic Syndromes, Hereditary; Tumor predisposition. Identifiers: Orphanet 140162, MedGen C0027672, MeSH D009386, MONDO:0015356.
Hereditary breast ovarian cancer syndrome. Also called: Hereditary breast and ovarian cancer syndrome; Hereditary breast and ovarian cancer syndrome (HBOC); Hereditary breast and/or ovarian cancer syndrome; BRCA1- and BRCA2-Associated Hereditary Breast and Ovarian Cancer; Hereditary breast and ovarian cancer; Breast and ovarian cancer. Identifiers: Orphanet 145, MedGen C0677776, MeSH D061325, MONDO:0003582. Disease mechanism: loss of function.
Breast-ovarian cancer, familial, susceptibility to, 2 (BROVCA2). Also called: BRCA2 Hereditary Breast and Ovarian Cancer. Identifiers: Orphanet 145, MedGen C2675520, MONDO:0012933, OMIM 612555. Disease mechanism: loss of function.

Submissions (4):

Ambry Genetics
Classification: Uncertain significance for Hereditary cancer-predisposing syndrome. Last evaluated: 2024-08-03. Review status: criteria provided, single submitter. Criteria: Ambry Variant Classification Scheme 2023. Collection method: clinical testing. Allele origin: germline.
Comment: The p.D1575A variant (also known as c.4724A>C), located in coding exon 10 of the BRCA2 gene, results from an A to C substitution at nucleotide position 4724. The aspartic acid at codon 1575 is replaced by alanine, an amino acid with dissimilar properties. This amino acid position is conserved. In addition, this alteration is predicted to be tolerated by in silico analysis. Based on the available evidence, the clinical significance of this variant remains unclear.

All of Us Research Program, National Institutes of Health
Classification: Uncertain significance for BRCA2-related cancer predisposition. Last evaluated: 2024-06-09. Review status: criteria provided, single submitter. Criteria: ACMG Guidelines, 2015. Collection method: clinical testing. Allele origin: germline. Inheritance: Autosomal dominant inheritance. Observed: 1 variant allele, 1 heterozygote.
Comment: This missense variant replaces aspartic acid with alanine at codon 1575 of the BRCA2 protein. Computational prediction suggests that this variant may not impact protein structure and function (internally defined REVEL score threshold <= 0.5, PMID: 27666373). To our knowledge, functional studies have not been reported for this variant. This variant has not been reported in individuals affected with hereditary cancer in the literature. This variant has not been identified in the general population by the Genome Aggregation Database (gnomAD). The available evidence is insufficient to determine the role of this variant in disease conclusively. Therefore, this variant is classified as a Variant of Uncertain Significance.

This study involves interpretation of variants in research participants for the purpose of population health screening. Participant phenotype was not available at the time of variant classification. Additional details can be found in publication PMID: 35346344, PMCID: PMC8962531

St. Jude Molecular Pathology, St. Jude Children's Research Hospital
Classification: Uncertain significance for Breast-ovarian cancer, familial, susceptibility to, 2. Last evaluated: 2024-01-29. Review status: criteria provided, single submitter. Criteria: St. Jude Assertion Criteria 2020. Collection method: clinical testing. Allele origin: germline.
Comment: The BRCA2 c.4724A>C (p.Asp1575Ala) missense change is absent in gnomAD v2.1.1. The in silico tool REVEL predicts a benign effect on protein function, but to our knowledge this prediction has not been confirmed by functional studies. This variant is absent in a database of women older than 70 years of age who have never had cancer (FLOSSIES). To our knowledge, this variant has not been reported in individuals with BRCA2-associated conditions. In summary, the evidence currently available is insufficient to determine the clinical significance of this variant. It has therefore been classified as of uncertain significance.

Labcorp Genetics (formerly Invitae), Labcorp
Classification: Uncertain significance for Hereditary breast ovarian cancer syndrome. Last evaluated: 2023-09-25. Review status: criteria provided, single submitter. Criteria: Invitae Variant Classification Sherloc (09022015). Collection method: clinical testing. Allele origin: germline.
Comment: This sequence change replaces aspartic acid, which is acidic and polar, with alanine, which is neutral and non-polar, at codon 1575 of the BRCA2 protein (p.Asp1575Ala). In summary, the available evidence is currently insufficient to determine the role of this variant in disease. Therefore, it has been classified as a Variant of Uncertain Significance. Advanced modeling of protein sequence and biophysical properties (such as structural, functional, and spatial information, amino acid conservation, physicochemical variation, residue mobility, and thermodynamic stability) performed at Invitae indicates that this missense variant is not expected to disrupt BRCA2 protein function. This variant has not been reported in the literature in individuals affected with BRCA2-related conditions. This variant is not present in population databases (gnomAD no frequency).

NM_000059.4(BRCA2):c.4724A>C (p.Asp1575Ala)

Gene: BRCA2 (BRCA2 DNA repair associated; plus strand). Cytogenetic location: 13q13.1.
Variant type: single nucleotide variant.
Coding change: c.4724A>C on transcript NM_000059.4 (MANE Select); coding-DNA position 4724, A replaced by C.
Protein change: p.Asp1575Ala; replaces aspartic acid 1575 with alanine.
Molecular consequence: missense variant. On other transcripts: non-coding transcript variant (1), intron variant (2).
Genome position (GRCh38, 1-based): chr13:32,339,079, A>C. VCF-style: chr13-32339079-A-C. GRCh37 (hg19) VCF-style: chr13-32913216-A-C.
Other names: c.4724A>C, p.Asp1575Ala (NM_001406719.1, NM_001406720.1); c.1910-5479A>C (NM_001406721.1); c.425-5479A>C (NM_001406722.1); short protein forms D1575A.
Identifiers: ClinVar variation 2763238 (VCV002763238.6), dbSNP rs2137509506, ClinGen allele CA387782992.
Genomic context (GRCh38, chr13:32,339,079, plus strand): 5'-AAATCACCAGTTTTAGCCATCAATGGGCAAAGACCCTAAAGTACAGAGAGGCCTGTAAAG[A>C]CCTTGAATTAGCATGTGAGACCATTGAGATCACAGCTGCCCCAAAGTGTAAAGAAATGCA-3'
Protein context (NP_000050.3, residues 1565-1585): KTLKYREACK[Asp1575Ala]LELACETIEI